The following is an entry in ClinVar:

ClinVar aggregate classification (germline): Conflicting classifications of pathogenicity. Review status: criteria provided, conflicting classifications (1 of 4 stars). 2 submissions from 2 submitters: Uncertain significance (1); Likely benign (1). Last evaluated 2025-03-23.

Conditions:
Hereditary cancer-predisposing syndrome. Also called: Neoplastic Syndromes, Hereditary; Hereditary Cancer Syndrome; Tumor predisposition; Hereditary neoplastic syndrome. Identifiers: Orphanet 140162, MedGen C0027672, MeSH D009386, MONDO:0015356.
Renal cell carcinoma. Identifiers: Orphanet 217071, MedGen C0007134, MeSH D002292, MONDO:0005086, HP:0005584.

Submissions (2):

Labcorp Genetics (formerly Invitae), Labcorp
Classification: Likely benign for Renal cell carcinoma. Last evaluated: 2025-03-23. Review status: criteria provided, single submitter. Criteria: Invitae Variant Classification Sherloc (09022015). Collection method: clinical testing. Allele origin: germline.

Ambry Genetics
Classification: Uncertain significance for Hereditary cancer-predisposing syndrome. Last evaluated: 2022-12-29. Review status: criteria provided, single submitter. Criteria: Ambry Variant Classification Scheme 2023. Collection method: clinical testing. Allele origin: germline.
Comment: The c.1528-5C>G intronic variant results from a C to G substitution 5 nucleotides upstream from coding exon 4 in the MET gene. This nucleotide position is not well conserved in available vertebrate species. In silico splice site analysis predicts that this alteration will not have any significant effect on splicing. Since supporting evidence is limited at this time, the clinical significance of this alteration remains unclear.

NM_000245.4(MET):c.1528-5C>G

Gene: MET (MET proto-oncogene, receptor tyrosine kinase; plus strand). Cytogenetic location: 7q31.2.
Variant type: single nucleotide variant.
Coding change: c.1528-5C>G on transcript NM_000245.4 (MANE Select); 5 bases into the intron before coding-DNA position 1528, C replaced by G.
Molecular consequence: intron variant.
Genome position (GRCh38, 1-based): chr7:116,740,847, C>G. VCF-style: chr7-116740847-C-G. GRCh37 (hg19) VCF-style: chr7-116380901-C-G.
Other names: c.1528-5C>G (NM_001127500.3, NM_001324401.3); c.238-5C>G (NM_001324402.2).
Identifiers: ClinVar variation 2447327 (VCV002447327.3), dbSNP rs2116833609, ClinGen allele CA2580076248.
Genomic context (GRCh38, chr7:116,740,847, plus strand): 5'-ACTTTATAATTAATTAACAAACTAGATACCCCTCTGGAAGCTCTTTCCACCCCTTCTCTT[C>G]ACAGATCACGAAGATCCCATTGAATGGCTTGGGCTGCAGACATTTCCAGTCCTGCAGTCA-3'